The following is an entry in ClinVar:

ClinVar aggregate classification (germline): Uncertain significance (1 of 4 stars; one submission).

Conditions:
Hereditary cancer-predisposing syndrome. Also called: Tumor predisposition; Neoplastic Syndromes, Hereditary; Hereditary Cancer Syndrome; Hereditary neoplastic syndrome. Identifiers: Orphanet 140162, MedGen C0027672, MeSH D009386, MONDO:0015356.

Submission:

Ambry Genetics
Classification: Uncertain significance for Hereditary cancer-predisposing syndrome. Last evaluated: 2024-11-23. Review status: criteria provided, single submitter. Criteria: Ambry Variant Classification Scheme 2023. Collection method: clinical testing. Allele origin: germline.
Comment: The p.D1435H variant (also known as c.4303G>C), located in coding exon 11 of the BRCA1 gene, results from a G to C substitution at nucleotide position 4303. The aspartic acid at codon 1435 is replaced by histidine, an amino acid with similar properties. This amino acid position is conserved. In addition, the in silico prediction for this alteration is inconclusive. Based on the available evidence, the clinical significance of this variant remains unclear.

NM_007294.4(BRCA1):c.4303G>C (p.Asp1435His)

Gene: BRCA1 (BRCA1 DNA repair associated; minus strand). Cytogenetic location: 17q21.31.
Variant type: single nucleotide variant.
Coding change: c.4303G>C on transcript NM_007294.4 (MANE Select); coding-DNA position 4303, G replaced by C.
Protein change: p.Asp1435His; replaces aspartic acid 1435 with histidine.
Molecular consequence: missense variant.
Genome position (GRCh38, 1-based): chr17:43,082,458, C>G on the plus strand (G>C on the coding strand, the complement: BRCA1 is on the minus strand). VCF-style: chr17-43082458-C-G. GRCh37 (hg19) VCF-style: chr17-41234475-C-G.
Other names: c.3970G>C, p.Asp1324His (NM_001407946.1, NM_001407947.1, NM_001407948.1 and 3 more transcripts); c.3967G>C, p.Asp1323His (NM_001407953.1, NM_001407952.1, NM_001407954.1 and 3 more transcripts); c.4303G>C, p.Asp1435His (NM_001407597.1, NM_001407598.1, NM_001407602.1 and 23 more transcripts); c.4300G>C, p.Asp1434His (NM_001407610.1, NM_001407611.1, NM_001407612.1 and 21 more transcripts); c.4297G>C, p.Asp1433His (NM_001407627.1, NM_001407628.1, NM_001407629.1 and 5 more transcripts); c.4291G>C, p.Asp1431His (NM_001407646.1, NM_001407647.1); c.4180G>C, p.Asp1394His (NM_001407648.1, NM_001407664.1, NM_001407665.1 and 13 more transcripts); c.4177G>C, p.Asp1393His (NM_001407649.1, NM_001407670.1, NM_001407671.1 and 12 more transcripts); and 51 more; short protein forms D1266H, D1322H, D1324H, D1368H, D1394H, D1431H, D1435H, D164H.
Identifiers: ClinVar variation 3481905 (VCV003481905.1).